The following is an entry in ClinVar:

ClinVar aggregate classification (germline): Conflicting classifications of pathogenicity. Review status: criteria provided, conflicting classifications (1 of 4 stars). 2 submissions from 2 submitters: Uncertain significance (1); Likely benign (1). Last evaluated 2024-01-12.

Allele frequency attached by ClinVar (database versions not stated): TOPMed below 0.00001; gnomAD exomes 0.00001.
gnomAD v4.1: 2 of 1,325,852 alleles (0.00015%); highest among the groups gnomAD compares: Non-Finnish European, 0.000096%; no homozygotes.

Submissions (2):

Labcorp Genetics (formerly Invitae), Labcorp
Classification: Likely benign. Last evaluated: 2024-01-12. Review status: criteria provided, single submitter. Criteria: Invitae Variant Classification Sherloc (09022015). Collection method: clinical testing. Allele origin: germline.

GeneDx
Classification: Uncertain significance. Last evaluated: 2022-03-02. Review status: criteria provided, single submitter. Criteria: GeneDx Variant Classification Process June 2021. Collection method: clinical testing. Allele origin: germline. Affected: yes.
Comment: Not observed at significant frequency in large population cohorts (gnomAD); In silico analysis supports that this variant does not alter splicing; Has not been previously published as pathogenic or benign to our knowledge

NM_006015.6(ARID1A):c.945C>T (p.Asp315=)

Genes: ARID1A (AT-rich interaction domain 1A; plus strand), LOC129929837 (ATAC-STARR-seq lymphoblastoid silent region 489; plus strand). Cytogenetic location: 1p36.11.
Variant type: single nucleotide variant.
Coding change: c.945C>T on transcript NM_006015.6 (MANE Select); coding-DNA position 945, C replaced by T.
Protein change: p.Asp315=; no amino-acid change (aspartic acid 315 retained).
Molecular consequence: synonymous variant.
Genome position (GRCh38, 1-based): chr1:26,697,348, C>T. VCF-style: chr1-26697348-C-T. GRCh37 (hg19) VCF-style: chr1-27023839-C-T.
Other names: c.945C>T, p.Asp315= (NM_139135.4).
Identifiers: ClinVar variation 1704018 (VCV001704018.5), dbSNP rs2080280639, ClinGen allele CA416989879.